The following is an entry in ClinVar:

NM_000214.3(JAG1):c.2264A>G (p.Asn755Ser)

Gene: JAG1 (jagged canonical Notch ligand 1; minus strand). Cytogenetic location: 20p12.2.
Variant type: single nucleotide variant.
Coding change: c.2264A>G on transcript NM_000214.3 (MANE Select); coding-DNA position 2264, A replaced by G.
Protein change: p.Asn755Ser; replaces asparagine 755 with serine.
Molecular consequence: missense variant.
Genome position (GRCh38, 1-based): chr20:10,644,943, T>C on the plus strand (A>G on the coding strand, the complement: JAG1 is on the minus strand). VCF-style: chr20-10644943-T-C. GRCh37 (hg19) VCF-style: chr20-10625591-T-C.
Other names: short protein forms N755S.
Identifiers: ClinVar variation 1698320 (VCV001698320.2), dbSNP rs2122602452, ClinGen allele CA408235006.

ClinVar aggregate classification (germline): Uncertain significance (1 of 4 stars; one submission).

Submission:

GeneDx
Classification: Uncertain significance. Last evaluated: 2022-01-11. Review status: criteria provided, single submitter. Criteria: GeneDx Variant Classification Process June 2021. Collection method: clinical testing. Allele origin: germline. Affected: yes.
Comment: Not observed at significant frequency in large population cohorts (gnomAD); In silico analysis supports that this missense variant has a deleterious effect on protein structure/function; Identified in a patient with hemangioblastoma, hemantiomatosis, and renal cell carcinoma, however, no segregation information was provided (Seo et al., 2020); This variant is associated with the following publications: (PMID: 32901917)